The following is an entry in ClinVar:

NM_018474.6(KIZ):c.490del (p.Met164fs)

Gene: KIZ (kizuna centrosomal protein; plus strand). Cytogenetic location: 20p11.23.
Variant type: Deletion.
Coding change: c.490del on transcript NM_018474.6 (MANE Select); coding-DNA position 490, one base deleted (A; older notation c.490delA).
Protein change: p.Met164fs; shifts the reading frame from methionine 164.
Molecular consequence: frameshift variant.
Genome position (GRCh38, 1-based): chr20:21,161,955, A deleted; the last of 3 consecutive A bases (chr20:21,161,953-21,161,955); deleting any one gives the same sequence. VCF-style (leftmost placement, unchanged base first): chr20-21161952-CA-C. GRCh37 (hg19) VCF-style: chr20-21142593-CA-C.
Other names: c.181del, p.Met61fs (NM_001163022.3, NM_001352435.2); c.91del, p.Met31fs (NM_001163023.3); c.343del, p.Met115fs (NM_001276389.2); c.490del, p.Met164fs (NM_001352434.2); c.148del, p.Met50fs (NM_001352436.2); short protein forms M164fs, M31fs, M50fs, M61fs, M115fs.
Identifiers: ClinVar variation 1458524 (VCV001458524.8), dbSNP rs760768357, ClinGen allele CA9784657.

ClinVar aggregate classification (germline): Pathogenic/Likely pathogenic. Review status: criteria provided, multiple submitters, no conflicts (2 of 4 stars). 2 submissions from 2 submitters: Pathogenic (1); Likely pathogenic (1). Last evaluated 2023-07-31.

Conditions:
Retinitis pigmentosa 69 (RP69). Identifiers: Orphanet 791, MedGen C4014312, MONDO:0014345, OMIM 615780.

Submissions (2):

Labcorp Genetics (formerly Invitae), Labcorp
Classification: Pathogenic. Last evaluated: 2023-07-31. Review status: criteria provided, single submitter. Criteria: Invitae Variant Classification Sherloc (09022015). Collection method: clinical testing. Allele origin: germline.
Comment: This sequence change creates a premature translational stop signal (p.Met164Cysfs*5) in the KIZ gene. It is expected to result in an absent or disrupted protein product. Loss-of-function variants in KIZ are known to be pathogenic (PMID: 24680887, 29057815). This variant is present in population databases (rs760768357, gnomAD 0.05%). This variant has not been reported in the literature in individuals affected with KIZ-related conditions. ClinVar contains an entry for this variant (Variation ID: 1458524). For these reasons, this variant has been classified as Pathogenic.

Juno Genomics, Hangzhou Juno Genomics, Inc
Classification: Likely pathogenic for Retinitis pigmentosa 69. Review status: criteria provided, single submitter. Criteria: ACMG Guidelines, 2015. Collection method: clinical testing. Allele origin: germline.
Comment: Null variant in a gene where loss of function (LOF) is a known mechanism of disease.;Absent from controls (or at extremely low frequency if recessive) in Genome Aggregation Database.

Literature cited by the submitters: PubMed 24680887 (cited by Labcorp Genetics (formerly Invitae), Labcorp); PubMed 29057815 (cited by Labcorp Genetics (formerly Invitae), Labcorp).